The following is an entry in ClinVar:

NM_033305.3(VPS13A):c.1846C>T (p.Leu616Phe)

Gene: VPS13A (vacuolar protein sorting 13 homolog A; plus strand). Cytogenetic location: 9q21.2.
Variant type: single nucleotide variant.
Coding change: c.1846C>T on transcript NM_033305.3 (MANE Select); coding-DNA position 1846, C replaced by T.
Protein change: p.Leu616Phe; replaces leucine 616 with phenylalanine.
Molecular consequence: missense variant.
Genome position (GRCh38, 1-based): chr9:77,238,332, C>T. VCF-style: chr9-77238332-C-T. GRCh37 (hg19) VCF-style: chr9-79853248-C-T.
Other names: c.1846C>T, p.Leu616Phe (NM_001018037.2, NM_001018038.3, NM_015186.4); short protein forms L616F.
Identifiers: ClinVar variation 3769547 (VCV003769547.2).
Genomic context (GRCh38, chr9:77,238,332, plus strand): 5'-AGGACAGTGAATAGTATAGTGGAATTCTTCAGACCTCCAAAAGAGGTACATCTAGCACAG[C>T]TCACTGCAGCAACTTTGACAAAACTGGAAGAATTTCGCAGTAAGACAGCAACAGGTAAAT-3'
Protein context (NP_150648.2, residues 606-626): RPPKEVHLAQ[Leu616Phe]TAATLTKLEE

ClinVar aggregate classification (germline): Uncertain significance (1 of 4 stars; one submission).

gnomAD v4.1: 4 of 1,613,994 alleles (0.00025%); highest among the groups gnomAD compares: East Asian, 0.0022%; no homozygotes.

Submission:

Women's Health and Genetics/Laboratory Corporation of America, LabCorp
Classification: Uncertain significance. Last evaluated: 2025-01-30. Review status: criteria provided, single submitter. Criteria: LabCorp Variant Classification Summary - May 2015. Collection method: clinical testing. Allele origin: germline.
Comment: Variant summary: VPS13A c.1846C>T (p.Leu616Phe) results in a non-conservative amino acid change located in the VPS13, central RBG modules domain (IPR031642) of the encoded protein sequence. Four of five in-silico tools predict a damaging effect of the variant on protein function. The variant allele was found at a frequency of 8e-06 in 251222 control chromosomes. The available data on variant occurrences in the general population are insufficient to allow any conclusion about variant significance. To our knowledge, no occurrence of c.1846C>T in individuals affected with Choreoacanthocytosis and no experimental evidence demonstrating its impact on protein function have been reported. No submitters have cited clinical-significance assessments for this variant to ClinVar. Based on the evidence outlined above, the variant was classified as uncertain significance.